The following is an entry in ClinVar:

ClinVar aggregate classification (germline): Uncertain significance (1 of 4 stars; one submission).

Conditions:
Glycogen storage disease, type II (IOPD). Also called: Glucosidase acid-1,4-alpha deficiency; Pompe Disease; CARDIOMEGALIA GLYCOGENICA DIFFUSA; POMPE DISEASE, INFANTILE-ONSET; GLYCOGEN STORAGE DISEASE II, INFANTILE-ONSET; ACID ALPHA-GLUCOSIDASE DEFICIENCY, INFANTILE-ONSET. Identifiers: Orphanet 365, MedGen C0017921, MONDO:0009290, OMIM 232300.

Submission:

Labcorp Genetics (formerly Invitae), Labcorp
Classification: Uncertain significance for Glycogen storage disease, type II. Last evaluated: 2022-01-01. Review status: criteria provided, single submitter. Criteria: Invitae Variant Classification Sherloc (09022015). Collection method: clinical testing. Allele origin: germline.
Comment: In summary, the available evidence is currently insufficient to determine the role of this variant in disease. Therefore, it has been classified as a Variant of Uncertain Significance. Variants that disrupt the consensus splice site are a relatively common cause of aberrant splicing (PMID: 17576681, 9536098). Algorithms developed to predict the effect of sequence changes on RNA splicing suggest that this variant may disrupt the consensus splice site. This variant has not been reported in the literature in individuals affected with GAA-related conditions. This variant is not present in population databases (gnomAD no frequency). This sequence change falls in intron 18 of the GAA gene. It does not directly change the encoded amino acid sequence of the GAA protein. It affects a nucleotide within the consensus splice site.

Literature cited by the submitters: PubMed 17576681; PubMed 9536098.

NM_000152.5(GAA):c.2646+4A>G

Gene: GAA (alpha glucosidase; plus strand). Cytogenetic location: 17q25.3.
Variant type: single nucleotide variant.
Coding change: c.2646+4A>G on transcript NM_000152.5 (MANE Select); 4 bases into the intron after coding-DNA position 2646, A replaced by G.
Molecular consequence: intron variant.
Genome position (GRCh38, 1-based): chr17:80,118,361, A>G. VCF-style: chr17-80118361-A-G. GRCh37 (hg19) VCF-style: chr17-78092160-A-G.
Other names: c.2646+4A>G (NM_001079803.3, NM_001079804.3).
Identifiers: ClinVar variation 1961524 (VCV001961524.5), dbSNP rs2510403085, ClinGen allele CA2580095384.